The following is an entry in ClinVar:

ClinVar aggregate classification (germline): Uncertain significance (1 of 4 stars; one submission).

Conditions:
Kabuki syndrome. Also called: NIIKAWA-KUROKI SYNDROME; Kabuki make-up syndrome. Identifiers: Orphanet 2322, MedGen C0796004, MONDO:0016512.

Submission:

Labcorp Genetics (formerly Invitae), Labcorp
Classification: Uncertain significance for Kabuki syndrome. Last evaluated: 2024-03-24. Review status: criteria provided, single submitter. Criteria: Invitae Variant Classification Sherloc (09022015). Collection method: clinical testing. Allele origin: germline.
Comment: This sequence change replaces proline, which is neutral and non-polar, with leucine, which is neutral and non-polar, at codon 282 of the KMT2D protein (p.Pro282Leu). This variant is not present in population databases (gnomAD no frequency). This variant has not been reported in the literature in individuals affected with KMT2D-related conditions. Advanced modeling of protein sequence and biophysical properties (such as structural, functional, and spatial information, amino acid conservation, physicochemical variation, residue mobility, and thermodynamic stability) has been performed at Invitae for this missense variant, however the output from this modeling did not meet the statistical confidence thresholds required to predict the impact of this variant on KMT2D protein function. In summary, the available evidence is currently insufficient to determine the role of this variant in disease. Therefore, it has been classified as a Variant of Uncertain Significance.

NM_003482.4(KMT2D):c.845C>T (p.Pro282Leu)

Gene: KMT2D (lysine methyltransferase 2D; minus strand). Cytogenetic location: 12q13.12.
Variant type: single nucleotide variant.
Coding change: c.845C>T on transcript NM_003482.4 (MANE Select); coding-DNA position 845, C replaced by T.
Protein change: p.Pro282Leu; replaces proline 282 with leucine.
Molecular consequence: missense variant.
Genome position (GRCh38, 1-based): chr12:49,053,316, G>A on the plus strand (C>T on the coding strand, the complement: KMT2D is on the minus strand). VCF-style: chr12-49053316-G-A. GRCh37 (hg19) VCF-style: chr12-49447099-G-A.
Other names: short protein forms P282L.
Identifiers: ClinVar variation 3612082 (VCV003612082.2).